The following is an entry in ClinVar:

NM_052947.4(ALPK2):c.5842C>T (p.Pro1948Ser)

Gene: ALPK2 (alpha kinase 2; minus strand). Cytogenetic location: 18q21.31.
Variant type: single nucleotide variant.
Coding change: c.5842C>T on transcript NM_052947.4 (MANE Select); coding-DNA position 5842, C replaced by T.
Protein change: p.Pro1948Ser; replaces proline 1948 with serine.
Molecular consequence: missense variant.
Genome position (GRCh38, 1-based): chr18:58,517,006, G>A on the plus strand (C>T on the coding strand, the complement: ALPK2 is on the minus strand). VCF-style: chr18-58517006-G-A. GRCh37 (hg19) VCF-style: chr18-56184238-G-A.
Other names: short protein forms P1948S.
Identifiers: ClinVar variation 1750025 (VCV001750025.2), dbSNP rs757741609, ClinGen allele CA8976346.
Genomic context (GRCh38, chr18:58,517,006, plus strand): 5'-CATTATTTCTGGTCCCATAGGCAATGGCATTGTGCACCTTAAGCACACAGGCATGGCCAG[G>A]TTTGAAGACAGGCATGAGGCCGTGCATCACTGTGCTGCGGAAGGCTTTGCGGTGAACCCC-3'
Protein context (NP_443179.3, residues 1938-1958): VMHGLMPVFK[Pro1948Ser]GHACVLKVHN

ClinVar aggregate classification (germline): Uncertain significance (1 of 4 stars; one submission).

Allele frequency attached by ClinVar (database versions not stated): gnomAD exomes below 0.00001; TOPMed below 0.00001; ExAC 0.00001.
gnomAD v4.1: 5 of 1,614,214 alleles (0.00031%); highest among the groups gnomAD compares: South Asian, 0.0011%; no homozygotes.

Submission:

Ambry Genetics
Classification: Uncertain significance. Last evaluated: 2024-03-23. Review status: criteria provided, single submitter. Criteria: Ambry Variant Classification Scheme 2023. Collection method: clinical testing. Allele origin: germline.
Comment: The p.P1948S variant (also known as c.5842C>T), located in coding exon 8 of the ALPK2 gene, results from a C to T substitution at nucleotide position 5842. The proline at codon 1948 is replaced by serine, an amino acid with similar properties. This amino acid position is conserved. In addition, this alteration is predicted to be tolerated by in silico analysis. Since supporting evidence is limited at this time, the clinical significance of this alteration remains unclear.